The following is an entry in ClinVar:

ClinVar aggregate classification (germline): Uncertain significance (1 of 4 stars; one submission).

Conditions:
Familial cancer of breast. Also called: BREAST CANCER, FAMILIAL; hereditary breast carcinoma; Hereditary breast cancer. Identifiers: Orphanet 227535, MedGen C0346153, MONDO:0016419, OMIM 114480. Disease mechanism: loss of function.

gnomAD v4.1: 1 of 1,614,046 alleles (0.000062%); no homozygotes.

Submission:

Labcorp Genetics (formerly Invitae), Labcorp
Classification: Uncertain significance for Familial cancer of breast. Last evaluated: 2022-11-25. Review status: criteria provided, single submitter. Criteria: Invitae Variant Classification Sherloc (09022015). Collection method: clinical testing. Allele origin: germline.
Comment: This sequence change replaces proline, which is neutral and non-polar, with leucine, which is neutral and non-polar, at codon 418 of the BARD1 protein (p.Pro418Leu). In summary, the available evidence is currently insufficient to determine the role of this variant in disease. Therefore, it has been classified as a Variant of Uncertain Significance. Algorithms developed to predict the effect of missense changes on protein structure and function are either unavailable or do not agree on the potential impact of this missense change (SIFT: "Deleterious"; PolyPhen-2: "Possibly Damaging"; Align-GVGD: "Class C15"). This variant has not been reported in the literature in individuals affected with BARD1-related conditions. This variant is present in population databases (no rsID available, gnomAD 0.0009%).

NM_000465.4(BARD1):c.1253C>T (p.Pro418Leu)

Gene: BARD1 (BRCA1 associated RING domain 1; minus strand). Cytogenetic location: 2q35.
Variant type: single nucleotide variant.
Coding change: c.1253C>T on transcript NM_000465.4 (MANE Select); coding-DNA position 1253, C replaced by T.
Protein change: p.Pro418Leu; replaces proline 418 with leucine.
Molecular consequence: missense variant. On other transcripts: non-coding transcript variant (2), intron variant (3).
Genome position (GRCh38, 1-based): chr2:214,780,621, G>A on the plus strand (C>T on the coding strand, the complement: BARD1 is on the minus strand). VCF-style: chr2-214780621-G-A. GRCh37 (hg19) VCF-style: chr2-215645345-G-A.
Other names: c.1196C>T, p.Pro399Leu (NM_001282543.2); c.159-28066C>T (NM_001282548.2); c.215+16440C>T (NM_001282545.2); c.364+11676C>T (NM_001282549.2); short protein forms P399L, P418L.
Identifiers: ClinVar variation 2816656 (VCV002816656.3), dbSNP rs1311988754, ClinGen allele CA350453539.